The following is an entry in ClinVar:

ClinVar aggregate classification (germline): Likely benign (1 of 4 stars; one submission).

Conditions:
Rafiq syndrome (RAFQS). Identifiers: Orphanet 88616, MedGen C3280127, MONDO:0013624, OMIM 614202.

Allele frequency attached by ClinVar (database versions not stated): 1000 Genomes Project 0.00120; 1000 Genomes Project 30x 0.00156; gnomAD 0.00160 and 0.00170; TOPMed 0.00196.
gnomAD v4.1: 391 of 462,650 alleles (0.085%); highest among the groups gnomAD compares: African/African-American, 0.49%; 2 homozygotes.

Submission:

Illumina Laboratory Services, Illumina
Classification: Likely benign for Rafiq syndrome. Last evaluated: 2018-01-13. Review status: criteria provided, single submitter. Criteria: ICSL Variant Classification Criteria 13 December 2019. Collection method: clinical testing. Allele origin: germline.
Comment: This variant was observed in the ICSL laboratory as part of a predisposition screen in an ostensibly healthy population. It had not been previously curated by ICSL or reported in the Human Gene Mutation Database (HGMD: prior to June 1st, 2018), and was therefore a candidate for classification through an automated scoring system. Utilizing variant allele frequency, disease prevalence and penetrance estimates, and inheritance mode, an automated score was calculated to assess if this variant is too frequent to cause the disease. Based on the score and internal cut-off values, a variant classified as likely benign is not then subjected to further curation. The score for this variant resulted in a classification of likely benign for this disease.

NM_016219.5(MAN1B1):c.*393A>G

Gene: MAN1B1 (mannosidase alpha class 1B member 1; plus strand). Cytogenetic location: 9q34.3.
Variant type: single nucleotide variant.
Coding change: c.*393A>G on transcript NM_016219.5 (MANE Select); 393 bases downstream of the stop codon, A replaced by G.
Molecular consequence: 3 prime UTR variant. On other transcripts: non-coding transcript variant (2).
Genome position (GRCh38, 1-based): chr9:137,108,984, A>G. VCF-style: chr9-137108984-A-G. GRCh37 (hg19) VCF-style: chr9-140003436-A-G.
Identifiers: ClinVar variation 365985 (VCV000365985.5), dbSNP rs575316488, ClinGen allele CA5359629.